The following continues an entry in ClinVar:

NM_000051.4(ATM):c.8672G>A (p.Gly2891Asp)

ClinVar aggregate classification (germline): Uncertain significance. Uncertain significance (9).

Submissions 9 to 12 of 12:

Women's Health and Genetics/Laboratory Corporation of America, LabCorp
Classification: Uncertain significance. Last evaluated: 2022-11-14. Review status: criteria provided, single submitter. Criteria: LabCorp Variant Classification Summary - May 2015. Collection method: clinical testing. Allele origin: germline.
Comment: Variant summary: ATM c.8672G>A (p.Gly2891Asp) results in a non-conservative amino acid change located in the Phosphatidylinositol 3-/4-kinase, catalytic domain (IPR000403) of the encoded protein sequence. Five of five in-silico tools predict a damaging effect of the variant on protein function. Several computational tools predict a significant impact on normal splicing: Four predict the variant abolishes a 3 acceptor site. However, these predictions have yet to be confirmed by functional studies. The variant was absent in 252470 control chromosomes (gnomAD and publication data). c.8672G>A has been reported in the literature in individuals affected with Breast Cancer, Pancreatic Cancer, Colorectal Cancer or Ataxia-Telangiectasia (Renwick_2006, Tavtigian_2009, Reiman_2011, Byrd_2012, Ohmoto_2018, Kwong_2020, Fujita_2020, Lipponen_2021). These data indicate that the variant may be associated with disease. At least one publication reports experimental evidence evaluating an impact on protein function and it showed this variant was expressed at a similar protein level to the WT protein and has residual ATM kinase activity (Byrd_2012). Four ClinVar submitters (evaluation after 2014) cite this variant as uncertain significance. Based on the evidence outlined above, the variant was classified as VUS-possibly pathogenic.

Research Unit of Clinical Medicine, Medical Research Center Oulu, University of Oulu
Classification: Uncertain significance for Ataxia-telangiectasia syndrome. Last evaluated: 2021-07-06. Review status: no assertion criteria provided. Collection method: research. Allele origin: germline. Affected: yes. Observed: 1 variant allele. Not counted in ClinVar's aggregate classification.
Comment: Previous studies have shown that this mutation have functional concequences. In addition, mutation affects a conserved position in the protein. However, the variant was classified as VUS because the information of the variant is not sufficient to confirm the pathogenicity of the variant.

Diagnostic Laboratory, Department of Genetics, University Medical Center Groningen
Classification: Uncertain significance. Review status: no assertion criteria provided. Collection method: clinical testing. Allele origin: germline. Affected: yes. Study: VKGL Data-share Consensus. Not counted in ClinVar's aggregate classification.

Joint Genome Diagnostic Labs from Nijmegen and Maastricht, Radboudumc and MUMC+
Classification: Uncertain significance. Review status: no assertion criteria provided. Collection method: clinical testing. Allele origin: germline. Affected: yes. Study: VKGL Data-share Consensus. Not counted in ClinVar's aggregate classification.

Literature cited by the submitters: PubMed 16832357 (cited by 3 submitters); PubMed 19781682 (cited by 5 submitters); PubMed 22146522 (cited by 7 submitters); PubMed 34326862 (cited by Labcorp Genetics (formerly Invitae), Labcorp); PubMed 34600502 (cited by 4 submitters); PubMed 21933854 (cited by 3 submitters); PubMed 28779002 (cited by 3 submitters); PubMed 31101757 (cited by Color Diagnostics, LLC DBA Color Health and Ambry Genetics); PubMed 33471991 (cited by Color Diagnostics, LLC DBA Color Health); PubMed 32068069 (cited by Ambry Genetics and Women's Health and Genetics/Laboratory Corporation of America, LabCorp); PubMed 33309985 (cited by 4 submitters); PubMed 25625042 (cited by Women's Health and Genetics/Laboratory Corporation of America, LabCorp); PubMed 21792198 (cited by Women's Health and Genetics/Laboratory Corporation of America, LabCorp); PubMed 29667044 (cited by Women's Health and Genetics/Laboratory Corporation of America, LabCorp); PubMed 30549301 (cited by Women's Health and Genetics/Laboratory Corporation of America, LabCorp); PubMed 31056428 (cited by Women's Health and Genetics/Laboratory Corporation of America, LabCorp); PubMed 32748564 (cited by Women's Health and Genetics/Laboratory Corporation of America, LabCorp).